The following is an entry in ClinVar:

ClinVar aggregate classification (germline): Uncertain significance (1 of 4 stars; one submission).

Conditions:
Cardiovascular phenotype. Identifiers: MedGen CN230736.

Submission:

Ambry Genetics
Classification: Uncertain significance for Cardiovascular phenotype. Last evaluated: 2025-11-02. Review status: criteria provided, single submitter. Criteria: Ambry Variant Classification Scheme 2023. Collection method: clinical testing. Allele origin: germline.
Comment: The p.E48K variant (also known as c.142G>A), located in coding exon 2 of the GPIHBP1 gene, results from a G to A substitution at nucleotide position 142. The glutamic acid at codon 48 is replaced by lysine, an amino acid with similar properties. This amino acid position is conserved. In addition, this alteration is predicted to be tolerated by in silico analysis. Based on the available evidence, the clinical significance of this variant remains unclear.

NM_178172.6(GPIHBP1):c.142G>A (p.Glu48Lys)

Gene: GPIHBP1 (glycosylphosphatidylinositol anchored high density lipoprotein binding protein 1; plus strand). Cytogenetic location: 8q24.3.
Variant type: single nucleotide variant.
Coding change: c.142G>A on transcript NM_178172.6 (MANE Select); coding-DNA position 142, G replaced by A.
Protein change: p.Glu48Lys; replaces glutamic acid 48 with lysine.
Molecular consequence: missense variant.
Genome position (GRCh38, 1-based): chr8:143,213,911, G>A. VCF-style: chr8-143213911-G-A. GRCh37 (hg19) VCF-style: chr8-144295786-G-A.
Other names: c.142G>A, p.Glu48Lys (NM_001301772.2); short protein forms E48K.
Identifiers: ClinVar variation 4614257 (VCV004614257.1).